The following is an entry in ClinVar:

ClinVar aggregate classification (germline): Uncertain significance (1 of 4 stars; one submission).

gnomAD v4.1: 3 of 1,211,992 alleles (0.00025%); highest among the groups gnomAD compares: Non-Finnish European, 0.00033%; no homozygotes.

Submission:

Labcorp Genetics (formerly Invitae), Labcorp
Classification: Uncertain significance. Last evaluated: 2025-04-01. Review status: criteria provided, single submitter. Criteria: Invitae Variant Classification Sherloc (09022015). Collection method: clinical testing. Allele origin: germline.
Comment: This sequence change replaces proline, which is neutral and non-polar, with serine, which is neutral and polar, at codon 2895 of the HUWE1 protein (p.Pro2895Ser). This variant is not present in population databases (gnomAD no frequency). This variant has not been reported in the literature in individuals affected with HUWE1-related conditions. Invitae Evidence Modeling of protein sequence and biophysical properties (such as structural, functional, and spatial information, amino acid conservation, physicochemical variation, residue mobility, and thermodynamic stability) indicates that this missense variant is not expected to disrupt HUWE1 protein function with a negative predictive value of 95%. In summary, the available evidence is currently insufficient to determine the role of this variant in disease. Therefore, it has been classified as a Variant of Uncertain Significance.

NM_031407.7(HUWE1):c.8683C>T (p.Pro2895Ser)

Gene: HUWE1 (HECT, UBA and WWE domain containing E3 ubiquitin protein ligase 1; minus strand). Cytogenetic location: Xp11.22.
Variant type: single nucleotide variant.
Coding change: c.8683C>T on transcript NM_031407.7 (MANE Select); coding-DNA position 8683, C replaced by T.
Protein change: p.Pro2895Ser; replaces proline 2895 with serine.
Molecular consequence: missense variant.
Genome position (GRCh38, 1-based): chrX:53,552,705, G>A on the plus strand (C>T on the coding strand, the complement: HUWE1 is on the minus strand). VCF-style: chrX-53552705-G-A. GRCh37 (hg19) VCF-style: chrX-53579666-G-A.
Other names: short protein forms P2895S.
Identifiers: ClinVar variation 3631953 (VCV003631953.2).